The following is an entry in ClinVar:

ClinVar aggregate classification (germline): Uncertain significance (1 of 4 stars; one submission).

Conditions:
Cardiovascular phenotype. Identifiers: MedGen CN230736.

Submission:

Ambry Genetics
Classification: Uncertain significance for Cardiovascular phenotype. Last evaluated: 2026-01-24. Review status: criteria provided, single submitter. Criteria: Ambry Variant Classification Scheme 2023. Collection method: clinical testing. Allele origin: germline.
Comment: The p.S1200F variant (also known as c.3599C>T), located in coding exon 10 of the AKAP9 gene, results from a C to T substitution at nucleotide position 3599. The serine at codon 1200 is replaced by phenylalanine, an amino acid with highly dissimilar properties. This amino acid position is conserved. In addition, this alteration is predicted to be tolerated by in silico analysis. Based on the available evidence, the clinical significance of this variant remains unclear.

NM_005751.5(AKAP9):c.3599C>T (p.Ser1200Phe)

Gene: AKAP9 (A-kinase anchoring protein 9; plus strand). Cytogenetic location: 7q21.2.
Variant type: single nucleotide variant.
Coding change: c.3599C>T on transcript NM_005751.5 (MANE Select); coding-DNA position 3599, C replaced by T.
Protein change: p.Ser1200Phe; replaces serine 1200 with phenylalanine.
Molecular consequence: missense variant.
Genome position (GRCh38, 1-based): chr7:92,014,315, C>T. VCF-style: chr7-92014315-C-T. GRCh37 (hg19) VCF-style: chr7-91643629-C-T.
Other names: c.3599C>T, p.Ser1200Phe (NM_147185.3); short protein forms S1200F.
Identifiers: ClinVar variation 4845162 (VCV004845162.1).